The following is an entry in ClinVar:

ClinVar aggregate classification (germline): conflicting data from submitters (0 of 4 stars; one submission).

Submission:

ISCA Site 6
Classification: conflicting data from submitters. Review status: no assertion criteria provided. Collection method: clinical testing. Allele origin: unknown. Affected: yes. Observed: 7 variant alleles. Clinical features observed: Developmental delay AND/OR other significant developmental or morphological phenotypes.
Comment: Uncertain significance(4), Likely benign (3)

Copy number variation identified through the course of routine clinical cytogenomic testing in postnatal populations, with clinical assertions as classified by the original submitter. For data from the original published study, Kaminsky, et al. 2011 (PubMed 21844811), please see nstd101.

GRCh37/hg19 11p15.4(chr11:8959136-8964546)x1

Gene: ASCL3 (achaete-scute family bHLH transcription factor 3; minus strand). Cytogenetic location: 11p15.4.
Variant type: copy number loss.
Change: copy number 1 (one copy instead of two) of chr11:8,959,136-8,964,546 (5.4 kb, GRCh37 coordinates, 1-based), cytogenetic band 11p15.4.
Identifiers: ClinVar variation 395121 (VCV000395121.4).